The following is an entry in ClinVar:

NM_002180.3(IGHMBP2):c.2446G>C (p.Glu816Gln)

Gene: IGHMBP2 (immunoglobulin mu DNA binding protein 2; plus strand). Cytogenetic location: 11q13.3.
Variant type: single nucleotide variant.
Coding change: c.2446G>C on transcript NM_002180.3 (MANE Select); coding-DNA position 2446, G replaced by C.
Protein change: p.Glu816Gln; replaces glutamic acid 816 with glutamine.
Molecular consequence: missense variant.
Genome position (GRCh38, 1-based): chr11:68,936,926, G>C. VCF-style: chr11-68936926-G-C. GRCh37 (hg19) VCF-style: chr11-68704394-G-C.
Other names: short protein forms E816Q.
Identifiers: ClinVar variation 466591 (VCV000466591.7), dbSNP rs950453484, ClinGen allele CA223413728.
Genomic context (GRCh38, chr11:68,936,926, plus strand): 5'-CCAGCAGGGACCGGTGGCCCAGCCCCTCTCCAGCCAGTGCCCCCTACCCCTGCGCAGACA[G>C]AGCAGCCTCCCAGGGAGCAGCGTGGCCCAGACCAGCCTGATCTGAGGACGCTGCACCTGG-3'
Protein context (NP_002171.2, residues 806-826): QPVPPTPAQT[Glu816Gln]QPPREQRGPD

ClinVar aggregate classification (germline): Uncertain significance (1 of 4 stars; one submission).

Conditions:
Charcot-Marie-Tooth disease axonal type 2S. Also called: CHARCOT-MARIE-TOOTH NEUROPATHY, TYPE 2S; CHARCOT-MARIE-TOOTH DISEASE, AXONAL, AUTOSOMAL RECESSIVE, TYPE 2S. Identifiers: Orphanet 443073, MedGen C4015349, MONDO:0014511, OMIM 616155.
Autosomal recessive distal spinal muscular atrophy 1. Also called: NEURONOPATHY, DISTAL HEREDITARY MOTOR, HARDING TYPE VI; NEUROPATHY, DISTAL HEREDITARY MOTOR, AUTOSOMAL RECESSIVE 1; HMN VI; NEURONOPATHY, SEVERE INFANTILE AXONAL, WITH RESPIRATORY FAILURE; SEVERE INFANTILE AXONAL NEUROPATHY WITH RESPIRATORY FAILURE; SPINAL MUSCULAR ATROPHY, DIAPHRAGMATIC. Identifiers: Orphanet 98920, MedGen C1858517, MONDO:0011436, OMIM 604320.

Submission:

Labcorp Genetics (formerly Invitae), Labcorp
Classification: Uncertain significance for Autosomal recessive distal spinal muscular atrophy 1; Charcot-Marie-Tooth disease axonal type 2S. Last evaluated: 2016-11-18. Review status: criteria provided, single submitter. Criteria: Invitae Variant Classification Sherloc (09022015). Collection method: clinical testing. Allele origin: germline.
Comment: This sequence change replaces glutamic acid with glutamine at codon 816 of the IGHMBP2 protein (p.Glu816Gln). The glutamic acid residue is weakly conserved and there is a small physicochemical difference between glutamic acid and glutamine. This variant is not present in population databases (ExAC no frequency) and has not been reported in the literature in individuals with a IGHMBP2-related disease. Algorithms developed to predict the effect of missense changes on protein structure and function output the following: (SIFT: "Tolerated"; PolyPhen-2: "Benign"; Align-GVGD: "Class C0"). The glutamine amino acid residue is found in multiple mammalian species, suggesting that this missense change does not adversely affect protein function. These predictions have not been confirmed by published functional studies. In summary, this variant is a novel missense change that is not predicted to affect protein function. There is no indication that it causes disease, but the available evidence is currently insufficient to prove that conclusively. Therefore, it has been classified as a Variant of Uncertain Significance.